The following is an entry in ClinVar:

ClinVar aggregate classification (germline): Benign (3 of 4 stars; one submission).

Conditions:
Breast-ovarian cancer, familial, susceptibility to, 2 (BROVCA2). Also called: BRCA2 Hereditary Breast and Ovarian Cancer. Identifiers: Orphanet 145, MedGen C2675520, MONDO:0012933, OMIM 612555. Disease mechanism: loss of function.

Submission:

Evidence-based Network for the Interpretation of Germline Mutant Alleles (ENIGMA)
Classification: Benign for Breast-ovarian cancer, familial, susceptibility to, 2. Last evaluated: 2016-09-28. Review status: reviewed by expert panel. Criteria: ENIGMA BRCA1/2 Classification Criteria (2015). Collection method: curation. Allele origin: germline.
Comment: Class 1 not pathogenic based on frequency >1% in an outbred sampleset. Frequency 0.2495 (European), 0.3351 (African), 0.2939 (Admixed American/Latino), 0.1587 (East Asian), 0.229 (South Asian), derived from 1000 genomes (2013-05-02).

NM_000059.4(BRCA2):c.6842-1496del

Gene: BRCA2 (BRCA2 DNA repair associated; plus strand). Cytogenetic location: 13q13.1.
Variant type: Deletion.
Coding change: c.6842-1496del on transcript NM_000059.4 (MANE Select); 1496 bases into the intron before coding-DNA position 6842, one base deleted (A; older notation c.6842-1496delA).
Molecular consequence: intron variant.
Genome position (GRCh38, 1-based): chr13:32,343,062, A deleted; the last of 14 consecutive A bases (chr13:32,343,049-32,343,062); deleting any one gives the same sequence. VCF-style (leftmost placement, unchanged base first): chr13-32343048-GA-G. GRCh37 (hg19) VCF-style: chr13-32917185-GA-G.
Identifiers: ClinVar variation 264978 (VCV000264978.1), dbSNP rs398022213, ClinGen allele CA10588097.